The following is an entry in ClinVar:

NM_001267052.2(UNC45B):c.1468G>A (p.Gly490Ser)

Gene: UNC45B (unc-45 myosin chaperone B; plus strand). Cytogenetic location: 17q12.
Variant type: single nucleotide variant.
Coding change: c.1468G>A on transcript NM_001267052.2 (MANE Select); coding-DNA position 1468, G replaced by A.
Protein change: p.Gly490Ser; replaces glycine 490 with serine.
Molecular consequence: missense variant. On other transcripts: intron variant (1).
Genome position (GRCh38, 1-based): chr17:35,169,852, G>A. VCF-style: chr17-35169852-G-A. GRCh37 (hg19) VCF-style: chr17-33496871-G-A.
Other names: c.1468G>A, p.Gly490Ser (NM_001033576.2, NM_173167.3); c.1453-1470G>A (NM_001308281.1); short protein forms G490S.
Identifiers: ClinVar variation 3378051 (VCV003378051.1).

ClinVar aggregate classification (germline): Uncertain significance (1 of 4 stars; one submission).

gnomAD v4.1: 17 of 1,613,998 alleles (0.0011%); highest among the groups gnomAD compares: African/African-American, 0.0013%; no homozygotes.

Submission:

GeneDx
Classification: Uncertain significance. Last evaluated: 2024-05-15. Review status: criteria provided, single submitter. Criteria: GeneDx Variant Classification Process June 2021. Collection method: clinical testing. Allele origin: germline. Affected: yes.
Comment: In silico analysis supports that this missense variant has a deleterious effect on protein structure/function; Has not been previously published as pathogenic or benign to our knowledge